The following is an entry in ClinVar:

ClinVar aggregate classification (germline): Uncertain significance. Review status: criteria provided, multiple submitters, no conflicts (2 of 4 stars). 3 submissions from 3 submitters: Uncertain significance (3). Last evaluated 2025-06-29.

Allele frequency attached by ClinVar (database versions not stated): gnomAD 0.00019 and 0.00020; ExAC 0.00023; gnomAD exomes 0.00024 and 0.00029; TOPMed 0.00029; ESP Exome Variant Server 0.00038.
gnomAD v4.1: 448 of 1,613,084 alleles (0.028%); highest among the groups gnomAD compares: Admixed American, 0.043%; no homozygotes.

Submissions (3):

GeneDx
Classification: Uncertain significance. Last evaluated: 2025-06-29. Review status: criteria provided, single submitter. Criteria: GeneDx Variant Classification Process June 2021. Collection method: clinical testing. Allele origin: germline. Affected: yes.
Comment: In silico analysis supports that this missense variant has a deleterious effect on protein structure/function; Has not been previously published as pathogenic or benign to our knowledge

Blueprint Genetics
Classification: Uncertain significance. Last evaluated: 2024-10-03. Review status: criteria provided, single submitter. Criteria: ACMG Guidelines, 2015. Collection method: clinical testing. Allele origin: germline.

Labcorp Genetics (formerly Invitae), Labcorp
Classification: Uncertain significance. Last evaluated: 2022-06-02. Review status: criteria provided, single submitter. Criteria: Invitae Variant Classification Sherloc (09022015). Collection method: clinical testing. Allele origin: germline.
Comment: This sequence change replaces arginine, which is basic and polar, with tryptophan, which is neutral and slightly polar, at codon 527 of the TPRN protein (p.Arg527Trp). This variant is present in population databases (rs147523706, gnomAD 0.05%). This variant has not been reported in the literature in individuals affected with TPRN-related conditions. ClinVar contains an entry for this variant (Variation ID: 1354686). Algorithms developed to predict the effect of missense changes on protein structure and function are either unavailable or do not agree on the potential impact of this missense change (SIFT: "Deleterious"; PolyPhen-2: "Probably Damaging"; Align-GVGD: "Class C0"). In summary, the available evidence is currently insufficient to determine the role of this variant in disease. Therefore, it has been classified as a Variant of Uncertain Significance.

NM_001128228.3(TPRN):c.1579C>T (p.Arg527Trp)

Gene: TPRN (taperin; minus strand). Cytogenetic location: 9q34.3.
Variant type: single nucleotide variant.
Coding change: c.1579C>T on transcript NM_001128228.3 (MANE Select); coding-DNA position 1579, C replaced by T.
Protein change: p.Arg527Trp; replaces arginine 527 with tryptophan.
Molecular consequence: missense variant.
Genome position (GRCh38, 1-based): chr9:137,199,133, G>A on the plus strand (C>T on the coding strand, the complement: TPRN is on the minus strand). VCF-style: chr9-137199133-G-A. GRCh37 (hg19) VCF-style: chr9-140093585-G-A.
Other names: c.1579C>T (NM_001128228.2); short protein forms R527W.
Identifiers: ClinVar variation 1354686 (VCV001354686.7), dbSNP rs147523706, ClinGen allele CA5362705.